The following is an entry in ClinVar:

NM_001197104.2(KMT2A):c.721A>T (p.Ile241Phe)

Gene: KMT2A (lysine methyltransferase 2A; plus strand). Cytogenetic location: 11q23.3.
Variant type: single nucleotide variant.
Coding change: c.721A>T on transcript NM_001197104.2 (MANE Select); coding-DNA position 721, A replaced by T.
Protein change: p.Ile241Phe; replaces isoleucine 241 with phenylalanine.
Molecular consequence: missense variant.
Genome position (GRCh38, 1-based): chr11:118,471,880, A>T. VCF-style: chr11-118471880-A-T. GRCh37 (hg19) VCF-style: chr11-118342595-A-T.
Other names: c.820A>T, p.Ile274Phe (NM_001412597.1); c.721A>T, p.Ile241Phe (NM_005933.4); short protein forms I274F, I241F.
Identifiers: ClinVar variation 2795191 (VCV002795191.5), dbSNP rs2496792588, ClinGen allele CA382807586.

ClinVar aggregate classification (germline): Uncertain significance. Review status: criteria provided, multiple submitters, no conflicts (2 of 4 stars). 2 submissions from 2 submitters: Uncertain significance (2). Last evaluated 2024-10-23.

Allele frequency attached by ClinVar (database versions not stated): gnomAD exomes below 0.00001.
gnomAD v4.1: 2 of 1,613,402 alleles (0.00012%); highest among the groups gnomAD compares: Non-Finnish European, 0.00017%; no homozygotes.

Submissions (2):

Dasa
Classification: Uncertain significance. Last evaluated: 2024-10-23. Review status: criteria provided, single submitter. Criteria: DASA Assertion Criteria. Collection method: clinical testing. Allele origin: germline.
Comment: NM_001197104.2(KMT2A):c.721A>T (p.Ile241Phe) is a missense variant that results in the substitution of isoleucine with phenylalanine. This variant is rare in population databases. Computational prediction algorithms are consistent with a benign effect. The currently available literature and clinical evidence are not sufficient to establish a definitive association between this variant and the reported condition. Therefore, this variant is classified as a variant of uncertain significance.

Labcorp Genetics (formerly Invitae), Labcorp
Classification: Uncertain significance. Last evaluated: 2023-07-25. Review status: criteria provided, single submitter. Criteria: Invitae Variant Classification Sherloc (09022015). Collection method: clinical testing. Allele origin: germline.
Comment: In summary, the available evidence is currently insufficient to determine the role of this variant in disease. Therefore, it has been classified as a Variant of Uncertain Significance. Advanced modeling of protein sequence and biophysical properties (such as structural, functional, and spatial information, amino acid conservation, physicochemical variation, residue mobility, and thermodynamic stability) performed at Invitae indicates that this missense variant is not expected to disrupt KMT2A protein function. This variant has not been reported in the literature in individuals affected with KMT2A-related conditions. This variant is not present in population databases (gnomAD no frequency). This sequence change replaces isoleucine, which is neutral and non-polar, with phenylalanine, which is neutral and non-polar, at codon 241 of the KMT2A protein (p.Ile241Phe).